The following is an entry in ClinVar:

ClinVar aggregate classification (germline): Conflicting classifications of pathogenicity. Review status: criteria provided, conflicting classifications (1 of 4 stars). 2 submissions from 2 submitters: Uncertain significance (1); Likely benign (1). Last evaluated 2022-11-01.

Conditions:
Heterotaxy, visceral, 4, autosomal (HTX4). Identifiers: Orphanet 450, MedGen C3151057, MONDO:0013403, OMIM 613751.

Allele frequency attached by ClinVar (database versions not stated): gnomAD 0.00456 and 0.00466; 1000 Genomes Project 0.00120; 1000 Genomes Project 30x 0.00125; TOPMed 0.00329.

Submissions (2):

CeGaT Center for Human Genetics Tuebingen
Classification: Likely benign. Last evaluated: 2022-11-01. Review status: criteria provided, single submitter. Criteria: CeGaT Center For Human Genetics Tuebingen Variant Classification Criteria Version 2. Collection method: clinical testing. Allele origin: germline. Affected: yes. Observed: 2 variant alleles.
Comment: ACVR2B: BS1

Illumina Laboratory Services, Illumina
Classification: Uncertain significance for Heterotaxy, visceral, 4, autosomal. Last evaluated: 2018-01-12. Review status: criteria provided, single submitter. Criteria: ICSL Variant Classification Criteria 13 December 2019. Collection method: clinical testing. Allele origin: germline.

NM_001106.4(ACVR2B):c.*4565A>G

Gene: ACVR2B (activin A receptor type 2B; plus strand). Cytogenetic location: 3p22.2.
Variant type: single nucleotide variant.
Coding change: c.*4565A>G on transcript NM_001106.4 (MANE Select); 4565 bases downstream of the stop codon, A replaced by G.
Molecular consequence: 3 prime UTR variant.
Genome position (GRCh38, 1-based): chr3:38,487,897, A>G. VCF-style: chr3-38487897-A-G. GRCh37 (hg19) VCF-style: chr3-38529388-A-G.
Identifiers: ClinVar variation 900468 (VCV000900468.28), dbSNP rs139385924, ClinGen allele CA72932046.
Genomic context (GRCh38, chr3:38,487,897, plus strand): 5'-GAAAAATATACTAATTGGAAAGCAGTTTCCAGGAGTTAACTCAGTTTAATTTTCAGTCTC[A>G]GTTATTTTAGCCTGTTGAGTTTTTGATGGCACACCTTTGGAGAGATGGCCACGCCTGATT-3'